The following is an entry in ClinVar:

ClinVar aggregate classification (germline): Uncertain significance (1 of 4 stars; one submission).

Conditions:
Spastic paraplegia. Identifiers: MedGen C0037772, HP:0001258.

Allele frequency attached by ClinVar (database versions not stated): gnomAD exomes below 0.00001; gnomAD 0.00002; TOPMed 0.00002.
gnomAD v4.1: 5 of 1,613,970 alleles (0.00031%); highest among the groups gnomAD compares: African/African-American, 0.0067%; no homozygotes.

Submission:

Labcorp Genetics (formerly Invitae), Labcorp
Classification: Uncertain significance for Spastic paraplegia. Last evaluated: 2022-04-23. Review status: criteria provided, single submitter. Criteria: Invitae Variant Classification Sherloc (09022015). Collection method: clinical testing. Allele origin: germline.
Comment: This sequence change replaces threonine, which is neutral and polar, with arginine, which is basic and polar, at codon 1862 of the SACS protein (p.Thr1862Arg). This variant is not present in population databases (gnomAD no frequency). This variant has not been reported in the literature in individuals affected with SACS-related conditions. Advanced modeling of protein sequence and biophysical properties (such as structural, functional, and spatial information, amino acid conservation, physicochemical variation, residue mobility, and thermodynamic stability) performed at Invitae indicates that this missense variant is not expected to disrupt SACS protein function. In summary, the available evidence is currently insufficient to determine the role of this variant in disease. Therefore, it has been classified as a Variant of Uncertain Significance.

NM_014363.6(SACS):c.5585C>G (p.Thr1862Arg)

Gene: SACS (sacsin molecular chaperone; minus strand). Cytogenetic location: 13q12.12.
Variant type: single nucleotide variant.
Coding change: c.5585C>G on transcript NM_014363.6 (MANE Select); coding-DNA position 5585, C replaced by G.
Protein change: p.Thr1862Arg; replaces threonine 1862 with arginine.
Molecular consequence: missense variant.
Genome position (GRCh38, 1-based): chr13:23,338,291, G>C on the plus strand (C>G on the coding strand, the complement: SACS is on the minus strand). VCF-style: chr13-23338291-G-C. GRCh37 (hg19) VCF-style: chr13-23912430-G-C.
Other names: c.5144C>G, p.Thr1715Arg (NM_001278055.2); short protein forms T1715R, T1862R.
Identifiers: ClinVar variation 2156363 (VCV002156363.1), dbSNP rs1050630305, ClinGen allele CA246659003.
Genomic context (GRCh38, chr13:23,338,291, plus strand): 5'-AAGCCTGTTTTTATTCGTAAAGGTAAATAGCAAAACACCTCTCCAATGTGTGGTTTCACT[G>C]TCCACTTCTGGTCCTGGATTTCTGACAGCTGAACTCCTACTGCCCCACATGGAACCAGTC-3'
Protein context (NP_055178.3, residues 1852-1872): QLSEIQDQKW[Thr1862Arg]VKPHIGEVFC